The following is an entry in ClinVar:

ClinVar aggregate classification (germline): Uncertain significance (1 of 4 stars; one submission).

Submission:

ARUP Laboratories, Molecular Genetics and Genomics, ARUP Laboratories
Classification: Uncertain significance. Last evaluated: 2023-06-28. Review status: criteria provided, single submitter. Criteria: ARUP Molecular Germline Variant Investigation Process 2024. Collection method: clinical testing. Allele origin: germline.
Comment: The FBN1 c.2360G>T; p.Ser787Ile variant, to our knowledge, is not reported in the medical literature or gene specific databases. This variant is also absent from the Genome Aggregation Database, indicating it is not a common polymorphism. Computational analyses predict that this variant is deleterious (REVEL: 0.896). However, given the lack of clinical and functional data, the significance of this variant is uncertain at this time.

NM_000138.5(FBN1):c.2360G>T (p.Ser787Ile)

Gene: FBN1 (fibrillin 1; minus strand). Cytogenetic location: 15q21.1.
Variant type: single nucleotide variant.
Coding change: c.2360G>T on transcript NM_000138.5 (MANE Select); coding-DNA position 2360, G replaced by T.
Protein change: p.Ser787Ile; replaces serine 787 with isoleucine.
Molecular consequence: missense variant.
Genome position (GRCh38, 1-based): chr15:48,496,159, C>A on the plus strand (G>T on the coding strand, the complement: FBN1 is on the minus strand). VCF-style: chr15-48496159-C-A. GRCh37 (hg19) VCF-style: chr15-48788356-C-A.
Other names: c.2360G>T, p.Ser787Ile (NM_001406716.1); short protein forms S787I.
Identifiers: ClinVar variation 2920966 (VCV002920966.1), dbSNP rs2505573635, ClinGen allele CA392335415.